The following is an entry in ClinVar:

ClinVar aggregate classification (germline): Uncertain significance. Review status: criteria provided, multiple submitters, no conflicts (2 of 4 stars). 6 submissions from 6 submitters: Uncertain significance (6). Last evaluated 2025-11-06.

Conditions:
Hypercholesterolemia, autosomal dominant, 3 (FHCL3). Also called: PCSK9-Related Familial Hypercholesterolemia, Autosomal Dominant; Familial Hypercholesterolemia, Autosomal Dominant, 3; Familial hypercholesterolemia 3. Identifiers: MedGen C1863551, MONDO:0011369, OMIM 603776.
Familial hypercholesterolemia. Also called: Familial hypercholesterolemias; Familial hypercholesterolaemia. Identifiers: MedGen C0020445, MONDO:0005439.
Cardiovascular phenotype. Identifiers: MedGen CN230736.

Allele frequency attached by ClinVar (database versions not stated): gnomAD below 0.00001 and 0.00001.
gnomAD v4.1: 9 of 1,611,878 alleles (0.00056%); highest among the groups gnomAD compares: Middle Eastern, 0.022%; no homozygotes.

Submissions (6):

Women's Health and Genetics/Laboratory Corporation of America, LabCorp
Classification: Uncertain significance. Last evaluated: 2025-11-06. Review status: criteria provided, single submitter. Criteria: LabCorp Variant Classification Summary - May 2015. Collection method: clinical testing. Allele origin: germline.
Comment: Variant summary: PCSK9 c.1447C>G (p.Leu483Val) results in a conservative amino acid change in the encoded protein sequence. Algorithms developed to predict the effect of missense changes on protein structure and function all suggest that this variant is likely to be tolerated. The frequency data for this variant in gnomAD is considered unreliable, as metrics indicate poor data quality at this position. c.1447C>G has been observed in a family with hypobetalipoproteinemia; however, this variant was observed in homozygosis in an unaffected family member and different PCSK9 variants segregated in this family (Cariou_2009). This report do not provide unequivocal conclusions about association of the variant with Familial Hypercholesterolemia. To our knowledge, no experimental evidence demonstrating an impact on protein function has been reported. The following publication has been ascertained in the context of this evaluation (PMID: 19762784). ClinVar contains an entry for this variant (Variation ID: 654272). Based on the evidence outlined above, the variant was classified as uncertain significance.

Color Diagnostics, LLC DBA Color Health
Classification: Uncertain significance for Familial hypercholesterolemia. Last evaluated: 2025-07-10. Review status: criteria provided, single submitter. Criteria: ACMG Guidelines, 2015. Collection method: clinical testing. Allele origin: germline.
Comment: This missense variant replaces leucine with valine at codon 483 of the PCSK9 protein. Computational prediction suggests that this variant may not impact protein structure and function. To our knowledge, functional studies have not been reported for this variant. This variant has not been reported in individuals affected with PCSK9-related disorders in the literature. This variant has not been identified in the general population by the Genome Aggregation Database (gnomAD). The available evidence is insufficient to determine the role of this variant in disease conclusively. Therefore, this variant is classified as a Variant of Uncertain Significance.

All of Us Research Program, National Institutes of Health
Classification: Uncertain significance for Hypercholesterolemia, autosomal dominant, 3. Last evaluated: 2024-03-05. Review status: criteria provided, single submitter. Criteria: ACMG Guidelines, 2015. Collection method: clinical testing. Allele origin: germline. Inheritance: Autosomal dominant inheritance. Observed: 2 variant alleles, 2 heterozygotes.
Comment: This missense variant replaces leucine with valine at codon 483 of the PCSK9 protein. Computational prediction suggests that this variant may not impact protein structure and function (internally defined REVEL score threshold <= 0.5, PMID: 27666373). To our knowledge, functional studies have not been reported for this variant. This variant has not been reported in individuals affected with familial hypercholesterolemia in the literature. This variant has not been identified in the general population by the Genome Aggregation Database (gnomAD). The available evidence is insufficient to determine the role of this variant in disease conclusively. Therefore, this variant is classified as a Variant of Uncertain Significance.

This study involves interpretation of variants in research participants for the purpose of population health screening. Participant phenotype was not available at the time of variant classification. Additional details can be found in publication PMID: 35346344, PMCID: PMC8962531

Ambry Genetics
Classification: Uncertain significance for Cardiovascular phenotype. Last evaluated: 2022-09-14. Review status: criteria provided, single submitter. Criteria: Ambry Variant Classification Scheme 2023. Collection method: clinical testing. Allele origin: germline.
Comment: The p.L483V variant (also known as c.1447C>G), located in coding exon 9 of the PCSK9 gene, results from a C to G substitution at nucleotide position 1447. The leucine at codon 483 is replaced by valine, an amino acid with highly similar properties. This alteration has been reported in a normolipidemic individual and an individual with concerns for familial hypobetalipoproteinemia (Cariou B et al. Arterioscler Thromb Vasc Biol, 2009 Dec;29:2191-7). This amino acid position is not well conserved in available vertebrate species. In addition, this alteration is predicted to be tolerated by in silico analysis. Since supporting evidence is limited at this time, the clinical significance of this alteration remains unclear.

Mayo Clinic Laboratories, Mayo Clinic
Classification: Uncertain significance. Last evaluated: 2022-06-15. Review status: criteria provided, single submitter. Criteria: ACMG Guidelines, 2015. Collection method: clinical testing. Allele origin: germline. Observed: 1 variant allele.
Comment: BP4, PM2

Labcorp Genetics (formerly Invitae), Labcorp
Classification: Uncertain significance for Hypercholesterolemia, autosomal dominant, 3. Last evaluated: 2018-12-17. Review status: criteria provided, single submitter. Criteria: Invitae Variant Classification Sherloc (09022015). Collection method: clinical testing. Allele origin: germline.
Comment: Algorithms developed to predict the effect of sequence changes on RNA splicing suggest that this variant may create or strengthen a splice site, but this prediction has not been confirmed by published transcriptional studies. In summary, the available evidence is currently insufficient to determine the role of this variant in disease. Therefore, it has been classified as a Variant of Uncertain Significance. Algorithms developed to predict the effect of missense changes on protein structure and function are either unavailable or do not agree on the potential impact of this missense change (SIFT: "Deleterious"; PolyPhen-2: "Benign"; Align-GVGD: "Class C0"). This sequence change replaces leucine with valine at codon 483 of the PCSK9 protein (p.Leu483Val). The leucine residue is moderately conserved and there is a small physicochemical difference between leucine and valine. This variant is not present in population databases (ExAC no frequency). This variant has also been observed in a family with hypobetalipoproteinemia; however, this variant was observed in homozygosis in an unaffected family member and different PCSK9 variants segregated in this family (PMID: 19762784).

Literature cited by the submitters: PubMed 19762784 (cited by 4 submitters).

NM_174936.4(PCSK9):c.1447C>G (p.Leu483Val)

Gene: PCSK9 (proprotein convertase subtilisin/kexin type 9; plus strand). Cytogenetic location: 1p32.3.
Variant type: single nucleotide variant.
Coding change: c.1447C>G on transcript NM_174936.4 (MANE Select); coding-DNA position 1447, C replaced by G.
Protein change: p.Leu483Val; replaces leucine 483 with valine.
Molecular consequence: missense variant.
Genome position (GRCh38, 1-based): chr1:55,058,591, C>G. VCF-style: chr1-55058591-C-G. GRCh37 (hg19) VCF-style: chr1-55524264-C-G.
Other names: p.Leu483Val; c.1570C>G, p.Leu524Val (NM_001407240.1); c.1447C>G, p.Leu483Val (NM_001407241.1); c.1450C>G, p.Leu484Val (NM_001407242.1); c.1390C>G, p.Leu464Val (NM_001407243.1); c.1273C>G, p.Leu425Val (NM_001407244.1); c.1255C>G, p.Leu419Val (NM_001407245.1); c.1072C>G, p.Leu358Val (NM_001407246.1); short protein forms L483V, L358V, L419V, L425V, L464V, L524V, L484V.
Identifiers: ClinVar variation 654272 (VCV000654272.20), dbSNP rs1570307690, ClinGen allele CA340479069.
Genomic context (GRCh38, chr1:55,058,591, plus strand): 5'-GCACACTCGGGGCCTACACGGATGGCCACAGCCGTCGCCCGCTGCGCCCCAGATGAGGAG[C>G]TGCTGAGCTGCTCCAGTTTCTCCAGGAGTGGGAAGCGGCGGGGCGAGCGCATGGAGGTGA-3'
Protein context (NP_777596.2, residues 473-493): AVARCAPDEE[Leu483Val]LSCSSFSRSG